The following is an entry in ClinVar:

NM_000548.5(TSC2):c.5069A>C (p.Asp1690Ala)

Gene: TSC2 (TSC complex subunit 2; plus strand). Cytogenetic location: 16p13.3.
Variant type: single nucleotide variant.
Coding change: c.5069A>C on transcript NM_000548.5 (MANE Select); coding-DNA position 5069, A replaced by C.
Protein change: p.Asp1690Ala; replaces aspartic acid 1690 with alanine.
Molecular consequence: missense variant.
Genome position (GRCh38, 1-based): chr16:2,088,048, A>C. VCF-style: chr16-2088048-A-C. GRCh37 (hg19) VCF-style: chr16-2138049-A-C.
Other names: c.4868A>C, p.Asp1623Ala (NM_001077183.3); c.5000A>C, p.Asp1667Ala (NM_001114382.3); c.4760A>C, p.Asp1587Ala (NM_001318827.2); c.4724A>C, p.Asp1575Ala (NM_001318829.2); c.4337A>C, p.Asp1446Ala (NM_001318831.2); c.4901A>C, p.Asp1634Ala (NM_001318832.2); c.4871A>C, p.Asp1624Ala (NM_001363528.2); c.4937A>C, p.Asp1646Ala (NM_001370404.1); and 1 more; short protein forms D1647A, D1624A, D1634A, D1646A, D1446A, D1575A, D1587A, D1623A.
Identifiers: ClinVar variation 1347456 (VCV001347456.8), dbSNP rs2091086775, ClinGen allele CA394311878.

ClinVar aggregate classification (germline): Uncertain significance (1 of 4 stars; one submission).

Conditions:
Tuberous sclerosis 2 (TSC2). Identifiers: Orphanet 805, MedGen C1860707, MONDO:0013199, OMIM 613254.

Submission:

Labcorp Genetics (formerly Invitae), Labcorp
Classification: Uncertain significance for Tuberous sclerosis 2. Last evaluated: 2020-11-14. Review status: criteria provided, single submitter. Criteria: Invitae Variant Classification Sherloc (09022015). Collection method: clinical testing. Allele origin: germline.
Comment: This sequence change replaces aspartic acid with alanine at codon 1690 of the TSC2 protein (p.Asp1690Ala). The aspartic acid residue is highly conserved and there is a moderate physicochemical difference between aspartic acid and alanine. This variant is not present in population databases (ExAC no frequency). This variant has not been reported in the literature in individuals with TSC2-related conditions. Algorithms developed to predict the effect of missense changes on protein structure and function are either unavailable or do not agree on the potential impact of this missense change (SIFT: "Deleterious"; PolyPhen-2: "Probably Damaging"; Align-GVGD: "Class C0"). Algorithms developed to predict the effect of sequence changes on RNA splicing suggest that this variant may disrupt the consensus splice site, but this prediction has not been confirmed by published transcriptional studies. In summary, the available evidence is currently insufficient to determine the role of this variant in disease. Therefore, it has been classified as a Variant of Uncertain Significance.